The following is an entry in ClinVar:

NM_002133.3(HMOX1):c.580G>A (p.Ala194Thr)

Gene: HMOX1 (heme oxygenase 1; plus strand). Cytogenetic location: 22q12.3.
Variant type: single nucleotide variant.
Coding change: c.580G>A on transcript NM_002133.3 (MANE Select); coding-DNA position 580, G replaced by A.
Protein change: p.Ala194Thr; replaces alanine 194 with threonine.
Molecular consequence: missense variant.
Genome position (GRCh38, 1-based): chr22:35,387,120, G>A. VCF-style: chr22-35387120-G-A. GRCh37 (hg19) VCF-style: chr22-35783113-G-A.
Other names: short protein forms A194T.
Identifiers: ClinVar variation 2192568 (VCV002192568.1), dbSNP rs775119762, ClinGen allele CA10204755.

ClinVar aggregate classification (germline): Uncertain significance (1 of 4 stars; one submission).

Allele frequency attached by ClinVar (database versions not stated): gnomAD 0.00001; TOPMed 0.00001; gnomAD exomes 0.00002; ExAC 0.00003.
gnomAD v4.1: 29 of 1,613,426 alleles (0.0018%); highest among the groups gnomAD compares: East Asian, 0.013%; no homozygotes.

Submission:

Labcorp Genetics (formerly Invitae), Labcorp
Classification: Uncertain significance. Last evaluated: 2022-06-17. Review status: criteria provided, single submitter. Criteria: Invitae Variant Classification Sherloc (09022015). Collection method: clinical testing. Allele origin: germline.
Comment: This sequence change replaces alanine, which is neutral and non-polar, with threonine, which is neutral and polar, at codon 194 of the HMOX1 protein (p.Ala194Thr). This variant is present in population databases (rs775119762, gnomAD 0.03%). This variant has not been reported in the literature in individuals affected with HMOX1-related conditions. Algorithms developed to predict the effect of missense changes on protein structure and function (SIFT, PolyPhen-2, Align-GVGD) all suggest that this variant is likely to be tolerated. In summary, the available evidence is currently insufficient to determine the role of this variant in disease. Therefore, it has been classified as a Variant of Uncertain Significance.